The following is an entry in ClinVar:

ClinVar aggregate classification (germline): Uncertain significance. Review status: criteria provided, multiple submitters, no conflicts (2 of 4 stars). 2 submissions from 2 submitters: Uncertain significance (2). Last evaluated 2026-03-24.

Conditions:
Developmental and epileptic encephalopathy, 2 (DEE2). Also called: INFANTILE SPASM SYNDROME, X-LINKED 2; CDKL5 deficiency disorder. Identifiers: Orphanet 1934, Orphanet 3451, Orphanet 505652, MedGen C4750718, MONDO:0010396, OMIM 300672.
Angelman syndrome-like. Identifiers: MedGen CN128785.

Submissions (2):

GeneDx
Classification: Uncertain significance. Last evaluated: 2026-03-24. Review status: criteria provided, single submitter. Criteria: GeneDx Variant Classification Process June 2021. Collection method: clinical testing. Allele origin: germline.
Comment: Not observed at significant frequency in large population cohorts (gnomAD); In silico analysis supports that this missense variant has a deleterious effect on protein structure/function; Has not been previously published as pathogenic or benign to our knowledge

Labcorp Genetics (formerly Invitae), Labcorp
Classification: Uncertain significance for Developmental and epileptic encephalopathy, 2; Angelman syndrome-like. Last evaluated: 2022-02-25. Review status: criteria provided, single submitter. Criteria: Invitae Variant Classification Sherloc (09022015). Collection method: clinical testing. Allele origin: germline.
Comment: In summary, the available evidence is currently insufficient to determine the role of this variant in disease. Therefore, it has been classified as a Variant of Uncertain Significance. Advanced modeling of protein sequence and biophysical properties (such as structural, functional, and spatial information, amino acid conservation, physicochemical variation, residue mobility, and thermodynamic stability) performed at Invitae indicates that this missense variant is expected to disrupt CDKL5 protein function. This variant has not been reported in the literature in individuals affected with CDKL5-related conditions. This variant is not present in population databases (gnomAD no frequency). This sequence change replaces glutamine, which is neutral and polar, with proline, which is neutral and non-polar, at codon 69 of the CDKL5 protein (p.Gln69Pro).

NM_001323289.2(CDKL5):c.206A>C (p.Gln69Pro)

Gene: CDKL5 (cyclin dependent kinase like 5; plus strand). Cytogenetic location: Xp22.13.
Variant type: single nucleotide variant.
Coding change: c.206A>C on transcript NM_001323289.2 (MANE Select); coding-DNA position 206, A replaced by C.
Protein change: p.Gln69Pro; replaces glutamine 69 with proline.
Molecular consequence: missense variant.
Genome position (GRCh38, 1-based): chrX:18,575,414, A>C. VCF-style: chrX-18575414-A-C. GRCh37 (hg19) VCF-style: chrX-18593534-A-C.
Other names: c.206A>C, p.Gln69Pro (NM_001037343.2, NM_003159.3); c.206A>C (NM_003159.2); short protein forms Q69P.
Identifiers: ClinVar variation 2103249 (VCV002103249.5), dbSNP rs2518844618, ClinGen allele CA412348654.